The following is an entry in ClinVar:

ClinVar aggregate classification (germline): Pathogenic (1 of 4 stars; one submission).

Conditions:
Charcot-Marie-Tooth disease type 2. Also called: Charcot-Marie-Tooth type 2. Identifiers: Orphanet 64746, MedGen C0270914, MONDO:0018993.

Submission:

Labcorp Genetics (formerly Invitae), Labcorp
Classification: Pathogenic for Charcot-Marie-Tooth disease type 2. Last evaluated: 2020-03-05. Review status: criteria provided, single submitter. Criteria: Invitae Variant Classification Sherloc (09022015). Collection method: clinical testing. Allele origin: germline.
Comment: For these reasons, this variant has been classified as Pathogenic. This sequence change creates a premature translational stop signal (p.Lys201*) in the LMNA gene. It is expected to result in an absent or disrupted protein product. This variant is not present in population databases (ExAC no frequency). This variant has not been reported in the literature in individuals with LMNA-related disease. Loss-of-function variants in LMNA are known to be pathogenic (PMID: 18585512, 18926329).

Literature cited by the submitters: PubMed 18585512; PubMed 18926329.

NM_170707.4(LMNA):c.601A>T (p.Lys201Ter)

Gene: LMNA (lamin A/C; plus strand). Cytogenetic location: 1q22.
Variant type: single nucleotide variant.
Coding change: c.601A>T on transcript NM_170707.4 (MANE Select); coding-DNA position 601, A replaced by T.
Protein change: p.Lys201Ter; replaces lysine 201 with a stop codon.
Molecular consequence: nonsense.
Genome position (GRCh38, 1-based): chr1:156,134,490, A>T. VCF-style: chr1-156134490-A-T. GRCh37 (hg19) VCF-style: chr1-156104281-A-T.
Other names: c.265A>T, p.Lys89Ter (NM_001257374.3); c.358A>T, p.Lys120Ter (NM_001282624.2); c.601A>T, p.Lys201Ter (NM_001282625.2, NM_001282626.2, NM_005572.4 and 1 more transcripts); short protein forms K120*, K201*, K89*.
Identifiers: ClinVar variation 650067 (VCV000650067.8), dbSNP rs1572358860, ClinGen allele CA342817012.